The following is an entry in ClinVar:

NM_001367561.1(DOCK7):c.513T>G (p.Asp171Glu)

Gene: DOCK7 (dedicator of cytokinesis 7; minus strand). Cytogenetic location: 1p31.3.
Variant type: single nucleotide variant.
Coding change: c.513T>G on transcript NM_001367561.1 (MANE Select); coding-DNA position 513, T replaced by G.
Protein change: p.Asp171Glu; replaces aspartic acid 171 with glutamic acid.
Molecular consequence: missense variant.
Genome position (GRCh38, 1-based): chr1:62,648,421, A>C on the plus strand (T>G on the coding strand, the complement: DOCK7 is on the minus strand). VCF-style: chr1-62648421-A-C. GRCh37 (hg19) VCF-style: chr1-63114092-A-C.
Other names: c.513T>G, p.Asp171Glu (NM_001271999.2, NM_001272000.2, NM_001272001.2 and 3 more transcripts); short protein forms D171E.
Identifiers: ClinVar variation 1339114 (VCV001339114.2), dbSNP rs1245720882, ClinGen allele CA340628410.

ClinVar aggregate classification (germline): Uncertain significance (1 of 4 stars; one submission).

Conditions:
Developmental and epileptic encephalopathy, 23 (DEE23). Also called: Epileptic encephalopathy, early infantile, 23. Identifiers: Orphanet 411986, MedGen C4014492, MONDO:0014371, OMIM 615859.

Allele frequency attached by ClinVar (database versions not stated): gnomAD exomes 0.00001; TOPMed 0.00001; gnomAD 0.00001.
gnomAD v4.1: 5 of 1,524,084 alleles (0.00033%); highest among the groups gnomAD compares: Admixed American, 0.002%; no homozygotes.

Submission:

Neuberg Centre For Genomic Medicine, NCGM
Classification: Uncertain significance for Developmental and epileptic encephalopathy, 23. Review status: criteria provided, single submitter. Criteria: ACMG Guidelines, 2015. Collection method: clinical testing. Allele origin: germline. Affected: yes.
Comment: The missense variant p.D171E in DOCK7 (NM_001271999.2) has not been reported previously as a pathogenic variant nor as a benign variant, to our knowledge. The p.D171E variant is observed in 1/87,468 (0.0011%) alleles from individuals of European (Non-Finnish) background in gnomAD Exomes and is novel (not in any individuals) in 1000 Genomes. In silico tools predict the variant to be damaging and the residu is weakly conserved across species. For these reasons, this variant has been classified as Uncertain Significance.